The following is an entry in ClinVar:

ClinVar aggregate classification (germline): Pathogenic (1 of 4 stars; one submission).

Conditions:
Ellis-van Creveld syndrome (EVC). Also called: MESOECTODERMAL DYSPLASIA; Chondroectodermal dysplasia. Identifiers: Orphanet 289, MedGen C0013903, MONDO:0009162, OMIM 225500.

Submission:

Myriad Genetics, Inc.
Classification: Pathogenic for Ellis-van Creveld syndrome. Last evaluated: 2025-08-19. Review status: criteria provided, single submitter. Criteria: Myriad Autosomal Dominant, Autosomal Recessive and X-Linked Classification Criteria (2023). Collection method: clinical testing. Allele origin: unknown.
Comment: NM_147127.4(EVC2):c.2948C>A(S983*) is expected to be pathogenic in the context of EVC2-related Ellis-van Creveld syndrome. This variant is predicted to lead to an abnormal or absent protein product due to the creation of a premature termination codon in EVC2, a gene where loss-of-function variants are known to be pathogenic. Please note: this variant was assessed in the context of healthy population screening.

NM_147127.5(EVC2):c.2948C>A (p.Ser983Ter)

Gene: EVC2 (EvC ciliary complex subunit 2; minus strand). Cytogenetic location: 4p16.2.
Variant type: single nucleotide variant.
Coding change: c.2948C>A on transcript NM_147127.5 (MANE Select); coding-DNA position 2948, C replaced by A.
Protein change: p.Ser983Ter; replaces serine 983 with a stop codon.
Molecular consequence: nonsense.
Genome position (GRCh38, 1-based): chr4:5,584,732, G>T on the plus strand (C>A on the coding strand, the complement: EVC2 is on the minus strand). VCF-style: chr4-5584732-G-T. GRCh37 (hg19) VCF-style: chr4-5586459-G-T.
Other names: c.2708C>A, p.Ser903Ter (NM_001166136.2); short protein forms S903*, S983*.
Identifiers: ClinVar variation 5014886 (VCV005014886.1).
Genomic context (GRCh38, chr4:5,584,732, plus strand): 5'-TCAGATGCACTCAGCTCTTCCAGGAGCAAGTCCTGGATGCTGAGGAGGGCGGTGTAGGCC[G>T]ACAGAGTCTCGGTCACCCGGGACGCCTTCTGGAACTGCAGAGCAACAAGCGACTGTGCAA-3'